The following is an entry in ClinVar:

ClinVar aggregate classification (germline): Uncertain significance. Review status: criteria provided, multiple submitters, no conflicts (2 of 4 stars). 2 submissions from 2 submitters: Uncertain significance (2). Last evaluated 2026-07-02.

Conditions:
Hereditary cancer-predisposing syndrome. Also called: Tumor predisposition; Neoplastic Syndromes, Hereditary; Hereditary Cancer Syndrome; Hereditary neoplastic syndrome. Identifiers: Orphanet 140162, MedGen C0027672, MeSH D009386, MONDO:0015356.
Familial cancer of breast. Also called: hereditary breast carcinoma; BREAST CANCER, FAMILIAL; Hereditary breast cancer. Identifiers: Orphanet 227535, MedGen C0346153, MONDO:0016419, OMIM 114480. Disease mechanism: loss of function.

Submissions (2):

Ambry Genetics
Classification: Uncertain significance for Hereditary cancer-predisposing syndrome. Last evaluated: 2026-07-02. Review status: criteria provided, single submitter. Criteria: Ambry Variant Classification Scheme 2023. Collection method: clinical testing. Allele origin: germline.
Comment: The p.S474R variant (also known as c.1422T>G), located in coding exon 4 of the PALB2 gene, results from a T to G substitution at nucleotide position 1422. The serine at codon 474 is replaced by arginine, an amino acid with dissimilar properties. This amino acid position is conserved. In addition, this alteration is predicted to be tolerated by in silico analysis. Based on the available evidence, the clinical significance of this variant remains unclear.

Labcorp Genetics (formerly Invitae), Labcorp
Classification: Uncertain significance for Familial cancer of breast. Last evaluated: 2015-11-11. Review status: criteria provided, single submitter. Criteria: Invitae Variant Classification Sherloc (09022015). Collection method: clinical testing. Allele origin: germline.
Comment: This sequence change replaces serine with arginine at codon 474 of the PALB2 protein (p.Ser474Arg). The serine residue is highly conserved and there is a moderate physicochemical difference between serine and arginine. This variant is not present in population databases (ExAC no frequency) and has not been reported in the literature. In summary, this is a novel missense change with uncertain impact on protein function and mRNA splicing. It has been classified as a Variant of Uncertain Significance. Algorithms developed to predict the effect of missense changes on protein structure and function do not agree on the potential impact of this missense change (SIFT: "Deleterious"; PolyPhen-2: "Probably Damaging"; Align-GVGD: "Class C0"). Algorithms developed to predict the effect of nucleotide changes on mRNA splicing suggest that this variant may alter mRNA splicing, but this prediction has not been confirmed by published transcriptional studies.

NM_024675.4(PALB2):c.1422T>G (p.Ser474Arg)

Gene: PALB2 (partner and localizer of BRCA2; minus strand). Cytogenetic location: 16p12.2.
Variant type: single nucleotide variant.
Coding change: c.1422T>G on transcript NM_024675.4 (MANE Select); coding-DNA position 1422, T replaced by G.
Protein change: p.Ser474Arg; replaces serine 474 with arginine.
Molecular consequence: missense variant.
Genome position (GRCh38, 1-based): chr16:23,635,124, A>C on the plus strand (T>G on the coding strand, the complement: PALB2 is on the minus strand). VCF-style: chr16-23635124-A-C. GRCh37 (hg19) VCF-style: chr16-23646445-A-C.
Other names: short protein forms S474R.
Identifiers: ClinVar variation 241528 (VCV000241528.8), dbSNP rs878855100, ClinGen allele CA10583372.